The following is an entry in ClinVar:

ClinVar aggregate classification (germline): Uncertain significance (1 of 4 stars; one submission).

Conditions:
Epileptic encephalopathy. Identifiers: MedGen C0543888, HP:0200134.

Allele frequency attached by ClinVar (database versions not stated): TOPMed below 0.00001; ExAC 0.00001; gnomAD exomes 0.00001 and 0.00002.
gnomAD v4.1: 8 of 1,608,398 alleles (0.0005%); highest among the groups gnomAD compares: Admixed American, 0.0084%; no homozygotes.

Submission:

Labcorp Genetics (formerly Invitae), Labcorp
Classification: Uncertain significance for Epileptic encephalopathy. Last evaluated: 2023-07-07. Review status: criteria provided, single submitter. Criteria: Invitae Variant Classification Sherloc (09022015). Collection method: clinical testing. Allele origin: germline.
Comment: This sequence change replaces arginine, which is basic and polar, with glutamine, which is neutral and polar, at codon 270 of the RYR3 protein (p.Arg270Gln). This variant is present in population databases (rs756729023, gnomAD 0.02%). This variant has not been reported in the literature in individuals affected with RYR3-related conditions. ClinVar contains an entry for this variant (Variation ID: 1439137). An algorithm developed to predict the effect of missense changes on protein structure and function (PolyPhen-2) suggests that this variant is likely to be disruptive. In summary, the available evidence is currently insufficient to determine the role of this variant in disease. Therefore, it has been classified as a Variant of Uncertain Significance.

NM_001036.6(RYR3):c.809G>A (p.Arg270Gln)

Gene: RYR3 (ryanodine receptor 3; plus strand). Cytogenetic location: 15q14.
Variant type: single nucleotide variant.
Coding change: c.809G>A on transcript NM_001036.6 (MANE Select); coding-DNA position 809, G replaced by A.
Protein change: p.Arg270Gln; replaces arginine 270 with glutamine.
Molecular consequence: missense variant.
Genome position (GRCh38, 1-based): chr15:33,548,198, G>A. VCF-style: chr15-33548198-G-A. GRCh37 (hg19) VCF-style: chr15-33840399-G-A.
Other names: c.809G>A, p.Arg270Gln (NM_001243996.4); short protein forms R270Q.
Identifiers: ClinVar variation 1439137 (VCV001439137.8), dbSNP rs756729023, ClinGen allele CA7457928.